The following is an entry in ClinVar:

ClinVar aggregate classification (germline): Uncertain significance (1 of 4 stars; one submission).

Conditions:
Sulfite oxidase deficiency due to molybdenum cofactor deficiency type A. Also called: Molybdenum cofactor deficiency, complementation group A; Molybdenum Cofactor Deficiency A. Identifiers: Orphanet 308386, Orphanet 833, MedGen C1854988, MONDO:0009643, OMIM 252150.

gnomAD v4.1: 1 of 1,614,144 alleles (0.000062%); highest among the groups gnomAD compares: Admixed American, 0.0017%; no homozygotes.

Submission:

Labcorp Genetics (formerly Invitae), Labcorp
Classification: Uncertain significance for Sulfite oxidase deficiency due to molybdenum cofactor deficiency type A. Last evaluated: 2024-09-21. Review status: criteria provided, single submitter. Criteria: Invitae Variant Classification Sherloc (09022015). Collection method: clinical testing. Allele origin: germline.
Comment: This sequence change replaces glutamic acid, which is acidic and polar, with glutamine, which is neutral and polar, at codon 285 of the MOCS1 protein (p.Glu285Gln). This variant is present in population databases (rs140243105, gnomAD 0.003%). This variant has not been reported in the literature in individuals affected with MOCS1-related conditions. ClinVar contains an entry for this variant (Variation ID: 1039056). An algorithm developed to predict the effect of missense changes on protein structure and function (PolyPhen-2) suggests that this variant is likely to be tolerated. In summary, the available evidence is currently insufficient to determine the role of this variant in disease. Therefore, it has been classified as a Variant of Uncertain Significance.

NM_001358530.2(MOCS1):c.853G>C (p.Glu285Gln)

Gene: MOCS1 (molybdenum cofactor synthesis 1; minus strand). Cytogenetic location: 6p21.2.
Variant type: single nucleotide variant.
Coding change: c.853G>C on transcript NM_001358530.2 (MANE Select); coding-DNA position 853, G replaced by C.
Protein change: p.Glu285Gln; replaces glutamic acid 285 with glutamine.
Molecular consequence: missense variant. On other transcripts: non-coding transcript variant (1).
Genome position (GRCh38, 1-based): chr6:39,912,909, C>G on the plus strand (G>C on the coding strand, the complement: MOCS1 is on the minus strand). VCF-style: chr6-39912909-C-G. GRCh37 (hg19) VCF-style: chr6-39880653-C-G.
Other names: c.853G>C, p.Glu285Gln (NM_001075098.4, NM_001358529.2, NM_005943.6); c.592G>C, p.Glu198Gln (NM_001358531.2, NM_001358533.2, NM_001358534.2); short protein forms E198Q, E285Q.
Identifiers: ClinVar variation 1039056 (VCV001039056.8), dbSNP rs140243105, ClinGen allele CA3796137.